The following is an entry in ClinVar:

NM_001035.3(RYR2):c.8591-4T>G

Gene: RYR2 (ryanodine receptor 2; plus strand). Cytogenetic location: 1q43.
Variant type: single nucleotide variant.
Coding change: c.8591-4T>G on transcript NM_001035.3 (MANE Select); 4 bases into the intron before coding-DNA position 8591, T replaced by G.
Molecular consequence: intron variant.
Genome position (GRCh38, 1-based): chr1:237,674,092, T>G. VCF-style: chr1-237674092-T-G. GRCh37 (hg19) VCF-style: chr1-237837392-T-G.
Other names: c.8591-4T>G (LRG_402t1).
Identifiers: ClinVar variation 532368 (VCV000532368.2), dbSNP rs1553277202, ClinGen allele CA658795637.

ClinVar aggregate classification (germline): Uncertain significance (1 of 4 stars; one submission).

Conditions:
Catecholaminergic polymorphic ventricular tachycardia (CVPT). Also called: Catecholamine-induced polymorphic ventricular tachycardia. Identifiers: Orphanet 3286, MedGen C5574922, MONDO:0017990.

Submission:

Labcorp Genetics (formerly Invitae), Labcorp
Classification: Uncertain significance for Catecholaminergic polymorphic ventricular tachycardia 1. Last evaluated: 2018-01-03. Review status: criteria provided, single submitter. Criteria: Invitae Variant Classification Sherloc (09022015). Collection method: clinical testing. Allele origin: germline.
Comment: This sequence change falls in intron 58 of the RYR2 gene. It does not directly change the encoded amino acid sequence of the RYR2 protein. This variant is not present in population databases (ExAC no frequency). This variant has not been reported in the literature in individuals with RYR2-related disease. Algorithms developed to predict the effect of sequence changes on RNA splicing suggest that this variant may create or strengthen a splice site, but this prediction has not been confirmed by published transcriptional studies. In summary, the available evidence is currently insufficient to determine the role of this variant in disease. Therefore, it has been classified as a Variant of Uncertain Significance.